The following is an entry in ClinVar:

NM_001267727.2(ARSG):c.1351A>G (p.Lys451Glu)

Genes: ARSG (arylsulfatase G; plus strand), PRKAR1A (protein kinase cAMP-dependent type I regulatory subunit alpha; plus strand). Cytogenetic location: 17q24.2.
Variant type: single nucleotide variant.
Coding change: c.1351A>G on transcript NM_001267727.2 (MANE Select); coding-DNA position 1351, A replaced by G.
Protein change: p.Lys451Glu; replaces lysine 451 with glutamic acid.
Molecular consequence: missense variant. On other transcripts: intron variant (3).
Genome position (GRCh38, 1-based): chr17:68,420,236, A>G. VCF-style: chr17-68420236-A-G. GRCh37 (hg19) VCF-style: chr17-66416377-A-G.
Other names: c.1351A>G, p.Lys451Glu (NM_001352899.2, NM_001352900.2, NM_001352901.2 and 2 more transcripts); c.1348A>G, p.Lys450Glu (NM_001352903.2, NM_001352904.2, NM_001352905.2 and 2 more transcripts); c.1303+18786A>G (NM_001352910.2); c.1255+18786A>G (NM_001352909.2); c.-7+6441A>G (NM_001278433.2); short protein forms K450E, K451E.
Identifiers: ClinVar variation 1398583 (VCV001398583.6), dbSNP rs1443647175, ClinGen allele CA400748924.

ClinVar aggregate classification (germline): Conflicting classifications of pathogenicity. Review status: criteria provided, conflicting classifications (1 of 4 stars). 3 submissions from 3 submitters: Uncertain significance (2); Likely benign (1). Last evaluated 2025-12-17.

Conditions:
ARSG-related disorder. Also called: ARSG-related condition.

Allele frequency attached by ClinVar (database versions not stated): gnomAD exomes 0.00004 and 0.00002.
gnomAD v4.1: 13 of 1,614,092 alleles (0.00081%); highest among the groups gnomAD compares: Admixed American, 0.02%; no homozygotes.

Submissions (3):

PreventionGenetics, part of Exact Sciences
Classification: Uncertain significance for ARSG-related condition. Last evaluated: 2025-12-17. Review status: criteria provided, single submitter. Criteria: ACMG Guidelines, 2015. Collection method: clinical testing. Allele origin: germline.
Comment: The ARSG c.1351A>G variant is predicted to result in the amino acid substitution p.Lys451Glu. To our knowledge, this variant has not been reported in the literature. This variant is reported in 0.026% of alleles in individuals of Latino descent in gnomAD. At this time, the clinical significance of this variant is uncertain due to the absence of conclusive functional and genetic evidence.

Ambry Genetics
Classification: Likely benign. Last evaluated: 2025-02-11. Review status: criteria provided, single submitter. Criteria: Ambry Variant Classification Scheme 2023. Collection method: clinical testing. Allele origin: germline.

Labcorp Genetics (formerly Invitae), Labcorp
Classification: Uncertain significance. Last evaluated: 2022-08-03. Review status: criteria provided, single submitter. Criteria: Invitae Variant Classification Sherloc (09022015). Collection method: clinical testing. Allele origin: germline.
Comment: This sequence change replaces lysine, which is basic and polar, with glutamic acid, which is acidic and polar, at codon 451 of the ARSG protein (p.Lys451Glu). This variant is present in population databases (no rsID available, gnomAD 0.03%). This variant has not been reported in the literature in individuals affected with ARSG-related conditions. ClinVar contains an entry for this variant (Variation ID: 1398583). Algorithms developed to predict the effect of missense changes on protein structure and function output the following: SIFT: "Tolerated"; PolyPhen-2: "Benign"; Align-GVGD: "Class C0". The glutamic acid amino acid residue is found in multiple mammalian species, which suggests that this missense change does not adversely affect protein function. In summary, the available evidence is currently insufficient to determine the role of this variant in disease. Therefore, it has been classified as a Variant of Uncertain Significance.